The following is an entry in ClinVar:

ClinVar aggregate classification (germline): Likely benign. Review status: criteria provided, multiple submitters, no conflicts (2 of 4 stars). 3 submissions from 3 submitters: Likely benign (3). Last evaluated 2026-04-12.

Conditions:
NBAS-related disorder. Also called: NBAS-related condition.

Allele frequency attached by ClinVar (database versions not stated): gnomAD exomes 0.00010 and 0.00014; ExAC 0.00015; gnomAD 0.00004 and 0.00009; TOPMed 0.00005; ESP Exome Variant Server 0.00008.
gnomAD v4.1: 160 of 1,614,096 alleles (0.0099%); highest among the groups gnomAD compares: South Asian, 0.12%; 1 homozygote.

Submissions (3):

PreventionGenetics, part of Exact Sciences
Classification: Likely benign for NBAS-related condition. Last evaluated: 2026-04-12. Review status: criteria provided, single submitter. Criteria: ACMG Guidelines, 2015. Collection method: clinical testing. Allele origin: germline.
Comment: This variant is classified as likely benign based on ACMG/AMP sequence variant interpretation guidelines (Richards et al. 2015 PMID: 25741868, with internal and published modifications).

Labcorp Genetics (formerly Invitae), Labcorp
Classification: Likely benign. Last evaluated: 2026-01-24. Review status: criteria provided, single submitter. Criteria: Invitae Variant Classification Sherloc (09022015). Collection method: clinical testing. Allele origin: germline.

Blueprint Genetics
Classification: Likely benign. Last evaluated: 2022-01-20. Review status: criteria provided, single submitter. Criteria: ACMG Guidelines, 2015. Collection method: clinical testing. Allele origin: germline.

NM_015909.4(NBAS):c.5613G>A (p.Pro1871=)

Gene: NBAS (NBAS subunit of NRZ tethering complex; minus strand). Cytogenetic location: 2p24.3.
Variant type: single nucleotide variant.
Coding change: c.5613G>A on transcript NM_015909.4 (MANE Select); coding-DNA position 5613, G replaced by A.
Protein change: p.Pro1871=; no amino-acid change (proline 1871 retained).
Molecular consequence: synonymous variant. On other transcripts: non-coding transcript variant (1).
Genome position (GRCh38, 1-based): chr2:15,275,595, C>T on the plus strand (G>A on the coding strand, the complement: NBAS is on the minus strand). VCF-style: chr2-15275595-C-T. GRCh37 (hg19) VCF-style: chr2-15415719-C-T.
Other names: c.5613G>A (NM_015909.3).
Identifiers: ClinVar variation 1597390 (VCV001597390.10), dbSNP rs369215695, ClinGen allele CA1535260.